The following is an entry in ClinVar:

NM_015072.5(TTLL5):c.2089G>A (p.Gly697Ser)

Gene: TTLL5 (tubulin tyrosine ligase like 5; plus strand). Cytogenetic location: 14q24.3.
Variant type: single nucleotide variant.
Coding change: c.2089G>A on transcript NM_015072.5 (MANE Select); coding-DNA position 2089, G replaced by A.
Protein change: p.Gly697Ser; replaces glycine 697 with serine.
Molecular consequence: missense variant.
Genome position (GRCh38, 1-based): chr14:75,771,807, G>A. VCF-style: chr14-75771807-G-A. GRCh37 (hg19) VCF-style: chr14-76238150-G-A.
Other names: c.2089G>A (NM_015072.4); short protein forms G697S.
Identifiers: ClinVar variation 1052498 (VCV001052498.7), dbSNP rs367910225, ClinGen allele CA7279595.

ClinVar aggregate classification (germline): Uncertain significance. Review status: criteria provided, multiple submitters, no conflicts (2 of 4 stars). 4 submissions from 4 submitters: Uncertain significance (4). Last evaluated 2026-07-07.

Conditions:
TTLL5-related disorder. Also called: TTLL5-related condition.
Inborn genetic diseases. Identifiers: MedGen C0950123, MeSH D030342.

Allele frequency attached by ClinVar (database versions not stated): gnomAD exomes 0.00008 and 0.00005; ExAC 0.00003; ESP Exome Variant Server 0.00008; gnomAD 0.00008 and 0.00009; TOPMed 0.00008.
gnomAD v4.1: 125 of 1,613,864 alleles (0.0077%); highest among the groups gnomAD compares: Non-Finnish European, 0.0098%; 1 homozygote.

Submissions (4):

PreventionGenetics, part of Exact Sciences
Classification: Uncertain significance for TTLL5-related condition. Last evaluated: 2026-07-07. Review status: criteria provided, single submitter. Criteria: ACMG Guidelines, 2015. Collection method: clinical testing. Allele origin: germline.
Comment: The TTLL5 c.2089G>A variant is predicted to result in the amino acid substitution p.Gly697Ser. To our knowledge, this variant has not been reported in the literature. This variant is reported in 0.012% of alleles in individuals of European (Non-Finnish) descent in gnomAD. At this time, the clinical significance of this variant is uncertain due to the absence of conclusive functional and genetic evidence.

Blueprint Genetics
Classification: Uncertain significance. Last evaluated: 2024-08-28. Review status: criteria provided, single submitter. Criteria: ACMG Guidelines, 2015. Collection method: clinical testing. Allele origin: germline.

Labcorp Genetics (formerly Invitae), Labcorp
Classification: Uncertain significance. Last evaluated: 2022-10-17. Review status: criteria provided, single submitter. Criteria: Invitae Variant Classification Sherloc (09022015). Collection method: clinical testing. Allele origin: germline.
Comment: This sequence change replaces glycine, which is neutral and non-polar, with serine, which is neutral and polar, at codon 697 of the TTLL5 protein (p.Gly697Ser). This variant is present in population databases (rs367910225, gnomAD 0.01%). This variant has not been reported in the literature in individuals affected with TTLL5-related conditions. ClinVar contains an entry for this variant (Variation ID: 1052498). Advanced modeling of protein sequence and biophysical properties (such as structural, functional, and spatial information, amino acid conservation, physicochemical variation, residue mobility, and thermodynamic stability) performed at Invitae indicates that this missense variant is not expected to disrupt TTLL5 protein function. In summary, the available evidence is currently insufficient to determine the role of this variant in disease. Therefore, it has been classified as a Variant of Uncertain Significance.

Ambry Genetics
Classification: Uncertain significance for Inborn genetic diseases. Last evaluated: 2021-06-18. Review status: criteria provided, single submitter. Criteria: Ambry Variant Classification Scheme 2023. Collection method: clinical testing. Allele origin: germline.